The following is an entry in ClinVar:

NM_013266.4(CTNNA3):c.2642A>G (p.His881Arg)

Gene: CTNNA3 (catenin alpha 3; minus strand). Cytogenetic location: 10q21.3.
Variant type: single nucleotide variant.
Coding change: c.2642A>G on transcript NM_013266.4 (MANE Select); coding-DNA position 2642, A replaced by G.
Protein change: p.His881Arg; replaces histidine 881 with arginine.
Molecular consequence: missense variant.
Genome position (GRCh38, 1-based): chr10:65,920,376, T>C on the plus strand (A>G on the coding strand, the complement: CTNNA3 is on the minus strand). VCF-style: chr10-65920376-T-C. GRCh37 (hg19) VCF-style: chr10-67680134-T-C.
Other names: c.2642A>G, p.His881Arg (NM_001127384.3); short protein forms H881R.
Identifiers: ClinVar variation 3001459 (VCV003001459.3), dbSNP rs2492365670, ClinGen allele CA377088676.

ClinVar aggregate classification (germline): Uncertain significance (1 of 4 stars; one submission).

Conditions:
Arrhythmogenic right ventricular dysplasia 13. Also called: Arrhythmogenic right ventricular dysplasia, familial, 13; ARRHYTHMOGENIC RIGHT VENTRICULAR CARDIOMYOPATHY 13. Identifiers: MedGen C3810138, MONDO:0000908, OMIM 615616.

Submission:

Labcorp Genetics (formerly Invitae), Labcorp
Classification: Uncertain significance for Arrhythmogenic right ventricular dysplasia 13. Last evaluated: 2022-12-29. Review status: criteria provided, single submitter. Criteria: Invitae Variant Classification Sherloc (09022015). Collection method: clinical testing. Allele origin: germline.
Comment: This sequence change replaces histidine, which is basic and polar, with arginine, which is basic and polar, at codon 881 of the CTNNA3 protein (p.His881Arg). This variant is not present in population databases (gnomAD no frequency). This variant has not been reported in the literature in individuals affected with CTNNA3-related conditions. Advanced modeling of protein sequence and biophysical properties (such as structural, functional, and spatial information, amino acid conservation, physicochemical variation, residue mobility, and thermodynamic stability) performed at Invitae indicates that this missense variant is not expected to disrupt CTNNA3 protein function. In summary, the available evidence is currently insufficient to determine the role of this variant in disease. Therefore, it has been classified as a Variant of Uncertain Significance.